The following is an entry in ClinVar:

NM_183235.3(RAB27A):c.379G>A (p.Asp127Asn)

Gene: RAB27A (RAB27A, member RAS oncogene family; minus strand). Cytogenetic location: 15q21.3.
Variant type: single nucleotide variant.
Coding change: c.379G>A on transcript NM_183235.3 (MANE Select); coding-DNA position 379, G replaced by A.
Protein change: p.Asp127Asn; replaces aspartic acid 127 with asparagine.
Molecular consequence: missense variant.
Genome position (GRCh38, 1-based): chr15:55,223,977, C>T on the plus strand (G>A on the coding strand, the complement: RAB27A is on the minus strand). VCF-style: chr15-55223977-C-T. GRCh37 (hg19) VCF-style: chr15-55516175-C-T.
Other names: c.379G>A, p.Asp127Asn (NM_004580.5, NM_183234.3, NM_183236.3); short protein forms D127N.
Identifiers: ClinVar variation 1461437 (VCV001461437.8), dbSNP rs2140958807, ClinGen allele CA392529803.
Genomic context (GRCh38, chr15:55,223,977, plus strand): 5'-CCTCCTCTTTCACTACTCTCTGGTCCTCCAGATCACTCTTGTTTCCACACAGCACTATAT[C>T]TGGGTTTTCACAATATGCATGCATCTGTAGCTGGCCTATTAATATAAGAAAGTTTATTAT-3'
Protein context (NP_899058.1, residues 117-137): LQMHAYCENP[Asp127Asn]IVLCGNKSDL

ClinVar aggregate classification (germline): Uncertain significance (1 of 4 stars; one submission).

Conditions:
Griscelli syndrome type 2 (GS2). Also called: PAID SYNDROME; PARTIAL ALBINISM AND IMMUNODEFICIENCY SYNDROME; GRISCELLI SYNDROME WITH HEMOPHAGOCYTIC SYNDROME. Identifiers: Orphanet 381, Orphanet 79477, MedGen C1868679, MONDO:0011872, OMIM 607624.

Submission:

Labcorp Genetics (formerly Invitae), Labcorp
Classification: Uncertain significance for Griscelli syndrome type 2. Last evaluated: 2021-02-16. Review status: criteria provided, single submitter. Criteria: Invitae Variant Classification Sherloc (09022015). Collection method: clinical testing. Allele origin: germline.
Comment: This sequence change replaces aspartic acid with asparagine at codon 127 of the RAB27A protein (p.Asp127Asn). The aspartic acid residue is highly conserved and there is a small physicochemical difference between aspartic acid and asparagine. This variant is not present in population databases (ExAC no frequency). This variant has not been reported in the literature in individuals with RAB27A-related conditions. Algorithms developed to predict the effect of missense changes on protein structure and function are either unavailable or do not agree on the potential impact of this missense change (SIFT: "Deleterious"; PolyPhen-2: "Probably Damaging"; Align-GVGD: "Class C15"). In summary, the available evidence is currently insufficient to determine the role of this variant in disease. Therefore, it has been classified as a Variant of Uncertain Significance.